The following is an entry in ClinVar:

NM_002206.3(ITGA7):c.1958G>A (p.Arg653His)

Gene: ITGA7 (integrin subunit alpha 7; minus strand). Cytogenetic location: 12q13.2.
Variant type: single nucleotide variant.
Coding change: c.1958G>A on transcript NM_002206.3 (MANE Select); coding-DNA position 1958, G replaced by A.
Protein change: p.Arg653His; replaces arginine 653 with histidine.
Molecular consequence: missense variant.
Genome position (GRCh38, 1-based): chr12:55,695,567, C>T on the plus strand (G>A on the coding strand, the complement: ITGA7 is on the minus strand). VCF-style: chr12-55695567-C-T. GRCh37 (hg19) VCF-style: chr12-56089351-C-T.
Other names: c.1970G>A, p.Arg657His (NM_001144996.2); c.1679G>A, p.Arg560His (NM_001144997.2); c.1631G>A, p.Arg544His (NM_001367993.1); c.614G>A, p.Arg205His (NM_001367994.1); c.1940G>A, p.Arg647His (NM_001374465.1); c.2090G>A, p.Arg697His (NM_001410977.1); c.1952G>A, p.Arg651His (NM_001414029.1); c.1883G>A, p.Arg628His (NM_001414030.1); and 5 more; short protein forms R560H, R647H, R205H, R544H, R653H, R657H, R697H, R592H.
Identifiers: ClinVar variation 1420139 (VCV001420139.6), dbSNP rs1872460000, ClinGen allele CA385185272.

ClinVar aggregate classification (germline): Uncertain significance (1 of 4 stars; one submission).

Conditions:
Congenital muscular dystrophy due to integrin alpha-7 deficiency. Also called: Congenital muscular dystrophy with integrin alpha-7 deficiency; Muscular dystrophy, congenital, due to ITGA7 deficiency; MYOPATHY, CONGENITAL, DUE TO INTEGRIN ALPHA-7 DEFICIENCY. Identifiers: Orphanet 34520, MedGen C2750786, MONDO:0013177, OMIM 613204.

Allele frequency attached by ClinVar (database versions not stated): gnomAD exomes below 0.00001; TOPMed below 0.00001; gnomAD 0.00001; 1000 Genomes Project 30x 0.00016.
gnomAD v4.1: 3 of 1,613,778 alleles (0.00019%); highest among the groups gnomAD compares: African/African-American, 0.0013%; no homozygotes.

Submission:

Labcorp Genetics (formerly Invitae), Labcorp
Classification: Uncertain significance for Congenital muscular dystrophy due to integrin alpha-7 deficiency. Last evaluated: 2021-05-29. Review status: criteria provided, single submitter. Criteria: Invitae Variant Classification Sherloc (09022015). Collection method: clinical testing. Allele origin: germline.
Comment: This sequence change replaces arginine with histidine at codon 653 of the ITGA7 protein (p.Arg653His). The arginine residue is weakly conserved and there is a small physicochemical difference between arginine and histidine. In summary, the available evidence is currently insufficient to determine the role of this variant in disease. Therefore, it has been classified as a Variant of Uncertain Significance. Algorithms developed to predict the effect of missense changes on protein structure and function output the following: SIFT: "Tolerated"; PolyPhen-2: "Benign"; Align-GVGD: "Class C0". The histidine amino acid residue is found in multiple mammalian species, suggesting that this missense change does not adversely affect protein function. These predictions have not been confirmed by published functional studies and their clinical significance is uncertain. This variant has not been reported in the literature in individuals with ITGA7-related conditions. This variant is not present in population databases (ExAC no frequency).